The following is an entry in ClinVar:

ClinVar aggregate classification (germline): Likely pathogenic (1 of 4 stars; one submission).

Conditions:
Autosomal recessive limb-girdle muscular dystrophy type 2D (LGMDR3). Also called: DUCHENNE-LIKE AUTOSOMAL RECESSIVE MUSCULAR DYSTROPHY, TYPE 2; MUSCULAR DYSTROPHY, LIMB-GIRDLE, AUTOSOMAL RECESSIVE 3; ADHALINOPATHY, PRIMARY. Identifiers: Orphanet 62, MedGen C2936332, MONDO:0011968, OMIM 608099. Disease mechanism: Affects gamma-sarcoglycan and also disrupts the integrity of the entire sarcoglycan complex..

Submission:

Myriad Genetics, Inc.
Classification: Likely pathogenic for Autosomal recessive limb-girdle muscular dystrophy type 2D. Last evaluated: 2022-02-15. Review status: criteria provided, single submitter. Criteria: Myriad Women's Health Autosomal Recessive and X-Linked Classification Criteria (2021). Collection method: clinical testing. Allele origin: unknown.
Comment: NM_000023.2(SGCA):c.163_164delCC(P55Tfs*49) is expected to be pathogenic in the context of alpha-sarcoglycanopathy. This variant is predicted to lead to an abnormal or absent protein product due to the creation of a premature termination codon in SGCA, a gene where loss-of-function variants are known to be pathogenic. Please note: this variant was assessed in the context of healthy population screening.

NM_000023.4(SGCA):c.163_164del (p.Pro55fs)

Gene: SGCA (sarcoglycan alpha; plus strand). Cytogenetic location: 17q21.33.
Variant type: Deletion.
Coding change: c.163_164del on transcript NM_000023.4 (MANE Select); coding-DNA positions 163 to 164, 2 bases deleted (CC; older notation c.163_164delCC).
Protein change: p.Pro55fs; shifts the reading frame from proline 55.
Molecular consequence: frameshift variant. On other transcripts: non-coding transcript variant (1).
Genome position (GRCh38, 1-based): chr17:50,167,587-50,167,588, CC deleted; deleting any 2 consecutive bases within chr17:50,167,586-50,167,588 gives the same sequence; the c. name uses the placement nearest the transcript's 3' end. VCF-style (leftmost placement, unchanged base first): chr17-50167585-TCC-T. GRCh37 (hg19) VCF-style: chr17-48244946-TCC-T.
Other names: c.163_164del, p.Pro55fs (NM_001135697.3); short protein forms P55fs.
Identifiers: ClinVar variation 1724423 (VCV001724423.2), dbSNP rs759624003, ClinGen allele CA8643724.